The following is an entry in ClinVar:

ClinVar aggregate classification (germline): Uncertain significance. Review status: criteria provided, multiple submitters, no conflicts (2 of 4 stars). 3 submissions from 3 submitters: Uncertain significance (3). Last evaluated 2026-01-06.

Conditions:
SMPD1-related disorder. Also called: SMPD1-related condition.

Allele frequency attached by ClinVar (database versions not stated): TOPMed 0.00001.
gnomAD v4.1: 5 of 1,576,084 alleles (0.00032%); highest among the groups gnomAD compares: Non-Finnish European, 0.00043%; no homozygotes.

Submissions (3):

Women's Health and Genetics/Laboratory Corporation of America, LabCorp
Classification: Uncertain significance. Last evaluated: 2026-01-06. Review status: criteria provided, single submitter. Criteria: LabCorp Variant Classification Summary - May 2015. Collection method: clinical testing. Allele origin: germline.
Comment: Variant summary: SMPD1 c.101G>A (p.Gly34Asp) results in a non-conservative amino acid change in the encoded protein sequence. Algorithms developed to predict the effect of missense changes on protein structure and function are either unavailable or do not agree on the potential impact of this missense change. The variant was absent in 237380 control chromosomes. The available data on variant occurrences in the general population are insufficient to allow any conclusion about variant significance. To our knowledge, no occurrence of c.101G>A in individuals affected with SMPD1-related conditions and no experimental evidence demonstrating its impact on protein function have been reported. ClinVar contains an entry for this variant (Variation ID: 2436207). Based on the evidence outlined above, the variant was classified as uncertain significance.

PreventionGenetics, part of Exact Sciences
Classification: Uncertain significance for SMPD1-related condition. Last evaluated: 2025-03-31. Review status: criteria provided, single submitter. Criteria: ACMG Guidelines, 2015. Collection method: clinical testing. Allele origin: germline.
Comment: The SMPD1 c.101G>A variant is predicted to result in the amino acid substitution p.Gly34Asp. To our knowledge, this variant has not been reported in the literature or in a large population database (gnomAD), indicating this variant is rare. At this time, the clinical significance of this variant is uncertain due to the absence of conclusive functional and genetic evidence.

Revvity Omics, Revvity
Classification: Uncertain significance. Last evaluated: 2021-10-28. Review status: criteria provided, single submitter. Criteria: ACMG Guidelines, 2015. Collection method: clinical testing. Allele origin: germline.

NM_000543.5(SMPD1):c.101G>A (p.Gly34Asp)

Gene: SMPD1 (sphingomyelin phosphodiesterase 1; plus strand). Cytogenetic location: 11p15.4.
Variant type: single nucleotide variant.
Coding change: c.101G>A on transcript NM_000543.5 (MANE Select); coding-DNA position 101, G replaced by A.
Protein change: p.Gly34Asp; replaces glycine 34 with aspartic acid.
Molecular consequence: missense variant. On other transcripts: 5 prime UTR variant (1), non-coding transcript variant (2).
Genome position (GRCh38, 1-based): chr11:6,390,699, G>A. VCF-style: chr11-6390699-G-A. GRCh37 (hg19) VCF-style: chr11-6411929-G-A.
Other names: c.101G>A, p.Gly34Asp (NM_001007593.3, NM_001318087.2, NM_001365135.2); c.-861G>A (NM_001318088.2); c.101G>A (NM_000543.4); short protein forms G34D.
Identifiers: ClinVar variation 2436207 (VCV002436207.5), dbSNP rs1554933790, ClinGen allele CA379367082.